The following is an entry in ClinVar:

ClinVar aggregate classification (germline): Uncertain significance. Review status: criteria provided, multiple submitters, no conflicts (2 of 4 stars). 2 submissions from 2 submitters: Uncertain significance (2). Last evaluated 2025-08-18.

Conditions:
Palmoplantar keratoderma-esophageal carcinoma syndrome (TOC). Also called: KERATOSIS PALMARIS ET PLANTARIS WITH ESOPHAGEAL CANCER; PALMOPLANTAR KERATODERMA WITH ESOPHAGEAL CANCER; Tylosis with Esophageal Cancer. Identifiers: Orphanet 2198, MedGen C1835664, MONDO:0007856, OMIM 148500.

Allele frequency attached by ClinVar (database versions not stated): TOPMed 0.00001.
gnomAD v4.1: 13 of 1,609,270 alleles (0.00081%); highest among the groups gnomAD compares: Non-Finnish European, 0.001%; no homozygotes.

Submissions (2):

Labcorp Genetics (formerly Invitae), Labcorp
Classification: Uncertain significance. Last evaluated: 2025-08-18. Review status: criteria provided, single submitter. Criteria: Invitae Variant Classification Sherloc (09022015). Collection method: clinical testing. Allele origin: germline.
Comment: This sequence change replaces arginine, which is basic and polar, with histidine, which is basic and polar, at codon 142 of the RHBDF2 protein (p.Arg142His). This variant is present in population databases (rs754289562, gnomAD 0.004%). This variant has not been reported in the literature in individuals affected with RHBDF2-related conditions. ClinVar contains an entry for this variant (Variation ID: 2678365). An algorithm developed to predict the effect of missense changes on protein structure and function (PolyPhen-2) suggests that this variant is likely to be disruptive. In summary, the available evidence is currently insufficient to determine the role of this variant in disease. Therefore, it has been classified as a Variant of Uncertain Significance.

Baylor Genetics
Classification: Uncertain significance for Palmoplantar keratoderma-esophageal carcinoma syndrome. Last evaluated: 2023-07-21. Review status: criteria provided, single submitter. Criteria: ACMG Guidelines, 2015. Collection method: clinical testing. Allele origin: unknown.

NM_001005498.4(RHBDF2):c.338G>A (p.Arg113His)

Gene: RHBDF2 (rhomboid 5 homolog 2; minus strand). Cytogenetic location: 17q25.1.
Variant type: single nucleotide variant.
Coding change: c.338G>A on transcript NM_001005498.4 (MANE Select); coding-DNA position 338, G replaced by A.
Protein change: p.Arg113His; replaces arginine 113 with histidine.
Molecular consequence: missense variant. On other transcripts: non-coding transcript variant (3).
Genome position (GRCh38, 1-based): chr17:76,479,212, C>T on the plus strand (G>A on the coding strand, the complement: RHBDF2 is on the minus strand). VCF-style: chr17-76479212-C-T. GRCh37 (hg19) VCF-style: chr17-74475294-C-T.
Other names: c.338G>A, p.Arg113His (NM_001376228.1, NM_001376229.1, NM_001376230.1); c.425G>A, p.Arg142His (NM_024599.5); short protein forms R113H, R142H.
Identifiers: ClinVar variation 2678365 (VCV002678365.2), dbSNP rs754289562, ClinGen allele CA8787367.